The following is an entry in ClinVar:

NM_032776.3(JMJD1C):c.7591G>A (p.Glu2531Lys)

Gene: JMJD1C (jumonji domain containing 1C; minus strand). Cytogenetic location: 10q21.3.
Variant type: single nucleotide variant.
Coding change: c.7591G>A on transcript NM_032776.3 (MANE Select); coding-DNA position 7591, G replaced by A.
Protein change: p.Glu2531Lys; replaces glutamic acid 2531 with lysine.
Molecular consequence: missense variant. On other transcripts: non-coding transcript variant (1).
Genome position (GRCh38, 1-based): chr10:63,168,077, C>T on the plus strand (G>A on the coding strand, the complement: JMJD1C is on the minus strand). VCF-style: chr10-63168077-C-T. GRCh37 (hg19) VCF-style: chr10-64927837-C-T.
Other names: c.7045G>A, p.Glu2349Lys (NM_001282948.2, NM_001318154.2); c.6727G>A, p.Glu2243Lys (NM_001318153.2); c.7477G>A, p.Glu2493Lys (NM_001322252.2); c.6934G>A, p.Glu2312Lys (NM_001322254.2, NM_001322258.2); short protein forms E2531K, E2493K, E2243K, E2349K, E2312K.
Identifiers: ClinVar variation 460278 (VCV000460278.37), dbSNP rs71508957, ClinGen allele CA5517614.

ClinVar aggregate classification (germline): Likely benign. Review status: criteria provided, multiple submitters, no conflicts (2 of 4 stars). 4 submissions from 4 submitters: Likely benign (3). 1 of the submissions does not count toward it. Last evaluated 2026-03-01.

Conditions:
JMJD1C-related disorder. Also called: JMJD1C-related condition.
Early Myoclonic Encephalopathy. Identifiers: MedGen C0270855.

Allele frequency attached by ClinVar (database versions not stated): 1000 Genomes Project 0.00200; 1000 Genomes Project 30x 0.00203; ExAC 0.00411; gnomAD exomes 0.00421 and 0.00721; gnomAD 0.00470 and 0.00482; TOPMed 0.00488; ESP Exome Variant Server 0.00739.
gnomAD v4.1: 11,159 of 1,603,916 alleles (0.7%); highest among the groups gnomAD compares: Non-Finnish European, 0.86%; 61 homozygotes.

Submissions (4):

CeGaT Center for Human Genetics Tuebingen
Classification: Likely benign. Last evaluated: 2026-03-01. Review status: criteria provided, single submitter. Criteria: CeGaT Center For Human Genetics Tuebingen Variant Classification Criteria Version 2. Collection method: clinical testing. Allele origin: germline. Affected: yes. Observed: 7 variant alleles.
Comment: JMJD1C: BS2

Labcorp Genetics (formerly Invitae), Labcorp
Classification: Likely benign for Early Myoclonic Encephalopathy. Last evaluated: 2026-02-02. Review status: criteria provided, single submitter. Criteria: Invitae Variant Classification Sherloc (09022015). Collection method: clinical testing. Allele origin: germline.

Breakthrough Genomics
Classification: Likely benign. Review status: criteria provided, single submitter. Criteria: ACMG Guidelines, 2015. Collection method: not provided. Allele origin: germline. Inheritance: Unknown mechanism. Affected: yes.

PreventionGenetics, part of Exact Sciences
Classification: Likely benign for JMJD1C-related condition. Last evaluated: 2019-05-21. Review status: no assertion criteria provided. Collection method: clinical testing. Allele origin: germline. Not counted in ClinVar's aggregate classification.
Comment: This variant is classified as likely benign based on ACMG/AMP sequence variant interpretation guidelines (Richards et al. 2015 PMID: 25741868, with internal and published modifications).